The following is an entry in ClinVar:

NM_005529.7(HSPG2):c.12949G>A (p.Gly4317Ser)

Genes: LDLRAD2 (low density lipoprotein receptor class A domain containing 2; plus strand), HSPG2 (heparan sulfate proteoglycan 2; minus strand). Cytogenetic location: 1p36.12.
Variant type: single nucleotide variant.
Coding change: c.12949G>A on transcript NM_005529.7 (MANE Select); coding-DNA position 12949, G replaced by A.
Protein change: p.Gly4317Ser; replaces glycine 4317 with serine.
Molecular consequence: missense variant. On other transcripts: 3 prime UTR variant (1).
Genome position (GRCh38, 1-based): chr1:21,823,670, C>T on the plus strand (G>A on the coding strand, the complement: HSPG2 is on the minus strand). VCF-style: chr1-21823670-C-T. GRCh37 (hg19) VCF-style: chr1-22150163-C-T.
Other names: c.12952G>A, p.Gly4318Ser (NM_001291860.2); c.*1455C>T (NM_001013693.3); short protein forms G4318S, G4317S.
Identifiers: ClinVar variation 1031537 (VCV001031537.5), dbSNP rs567999404, ClinGen allele CA669203.

ClinVar aggregate classification (germline): Uncertain significance. Review status: criteria provided, multiple submitters, no conflicts (2 of 4 stars). 3 submissions from 3 submitters: Uncertain significance (3). Last evaluated 2026-06-01.

Conditions:
Inborn genetic diseases. Identifiers: MedGen C0950123, MeSH D030342.
Lethal Kniest-like syndrome (DDSH). Also called: Dyssegmental Dysplasia. Identifiers: Orphanet 1865, MedGen C1857100, MONDO:0009140, OMIM 224410.

Allele frequency attached by ClinVar (database versions not stated): gnomAD 0.00003; gnomAD exomes 0.00001 and below 0.00001; TOPMed 0.00001; ExAC 0.00001.
gnomAD v4.1: 10 of 1,613,636 alleles (0.00062%); highest among the groups gnomAD compares: African/African-American, 0.0053%; no homozygotes.

Submissions (3):

Ambry Genetics
Classification: Uncertain significance for Inborn genetic diseases. Last evaluated: 2026-06-01. Review status: criteria provided, single submitter. Criteria: Ambry Variant Classification Scheme 2023. Collection method: clinical testing. Allele origin: germline.

Revvity Omics, Revvity
Classification: Uncertain significance. Last evaluated: 2019-06-27. Review status: criteria provided, single submitter. Criteria: ACMG Guidelines, 2015. Collection method: clinical testing. Allele origin: germline.

Baylor Genetics
Classification: Uncertain significance for Lethal Kniest-like syndrome. Last evaluated: 2018-08-18. Review status: criteria provided, single submitter. Criteria: ACMG Guidelines, 2015. Collection method: clinical testing. Allele origin: unknown. Affected: yes.
Comment: This variant was determined to be of uncertain significance according to ACMG Guidelines, 2015 [PMID:25741868].